The following is an entry in ClinVar:

ClinVar aggregate classification (germline): Conflicting classifications of pathogenicity. Review status: criteria provided, conflicting classifications (1 of 4 stars). 2 submissions from 2 submitters: Likely pathogenic (1); Uncertain significance (1). Last evaluated 2023-06-29.

Conditions:
RET-related disorder. Also called: RET-related disorders; RET-related condition; RET-related disease.

Submissions (2):

Women's Health and Genetics/Laboratory Corporation of America, LabCorp
Classification: Uncertain significance. Last evaluated: 2023-06-29. Review status: criteria provided, single submitter. Criteria: LabCorp Variant Classification Summary - May 2015. Collection method: clinical testing. Allele origin: germline.
Comment: Variant summary: RET c.2198G>A (p.Gly733Asp) results in a non-conservative amino acid change located in the Tyrosine-protein kinase, catalytic domain of the encoded protein sequence. Five of five in-silico tools predict a damaging effect of the variant on protein function. The variant was absent in 251480 control chromosomes. To our knowledge, no occurrence of c.2198G>A in individuals affected with Hirschsprung Disease and no experimental evidence demonstrating its impact on protein function have been reported in the literature. The following publications have been ascertained in the context of this evaluation (PMID: 17047083, 27534895). No submitters have cited clinical-significance assessments for this variant to ClinVar after 2014. Based on the evidence outlined above, the variant was classified as VUS-possibly pathogenic.

Blueprint Genetics
Classification: Likely pathogenic for RET-related disorders. Last evaluated: 2021-07-28. Review status: criteria provided, single submitter. Criteria: ACMG Guidelines, 2015. Collection method: clinical testing. Allele origin: germline. Affected: yes. Observed: 1 variant allele.

Literature cited by the submitters: PubMed 17047083 (cited by Women's Health and Genetics/Laboratory Corporation of America, LabCorp); PubMed 27534895 (cited by Women's Health and Genetics/Laboratory Corporation of America, LabCorp).

NM_020975.6(RET):c.2198G>A (p.Gly733Asp)

Gene: RET (ret proto-oncogene; plus strand). Cytogenetic location: 10q11.21.
Variant type: single nucleotide variant.
Coding change: c.2198G>A on transcript NM_020975.6 (MANE Select); coding-DNA position 2198, G replaced by A.
Protein change: p.Gly733Asp; replaces glycine 733 with aspartic acid.
Molecular consequence: missense variant.
Genome position (GRCh38, 1-based): chr10:43,116,645, G>A. VCF-style: chr10-43116645-G-A. GRCh37 (hg19) VCF-style: chr10-43612093-G-A.
Other names: c.1760G>A, p.Gly587Asp (NM_001406771.1, NM_001406773.1); c.1802G>A, p.Gly601Asp (NM_001406772.1, NM_001406769.1); c.1673G>A, p.Gly558Asp (NM_001406774.1); c.1472G>A, p.Gly491Asp (NM_001406775.1, NM_001406776.1, NM_001406777.1 and 1 more transcripts); c.1301G>A, p.Gly434Asp (NM_001406779.1, NM_001406780.1, NM_001406781.1 and 1 more transcripts); c.1172G>A, p.Gly391Asp (NM_001406783.1, NM_001406786.1); c.1208G>A, p.Gly403Asp (NM_001406784.1); c.1181G>A, p.Gly394Asp (NM_001406785.1); and 10 more; short protein forms G733D, G479D, G298D, G645D, G391D, G394D, G434D, G491D.
Identifiers: ClinVar variation 633391 (VCV000633391.5), dbSNP rs1564497340, ClinGen allele CA376554447.
Genomic context (GRCh38, chr10:43,116,645, plus strand): 5'-AGGATCCAAAGTGGGAATTCCCTCGGAAGAACTTGGTTCTTGGAAAAACTCTAGGAGAAG[G>A]CGAATTTGGAAAAGTGGTCAAGGCAACGGCCTTCCATCTGAAAGGCAGAGCAGGGTACAC-3'
Protein context (NP_066124.1, residues 723-743): NLVLGKTLGE[Gly733Asp]EFGKVVKATA